The following is an entry in ClinVar:

ClinVar aggregate classification (germline): Conflicting classifications of pathogenicity. Review status: criteria provided, conflicting classifications (1 of 4 stars). 2 submissions from 2 submitters: Likely pathogenic (1); Uncertain significance (1). Last evaluated 2026-07-31.

Conditions:
Glycogen storage disease, type II (IOPD). Also called: POMPE DISEASE, INFANTILE-ONSET; GLYCOGEN STORAGE DISEASE II, INFANTILE-ONSET; ACID ALPHA-GLUCOSIDASE DEFICIENCY, INFANTILE-ONSET; GAA DEFICIENCY, INFANTILE-ONSET; ACID MALTASE DEFICIENCY, INFANTILE-ONSET; Glucosidase acid-1,4-alpha deficiency. Identifiers: Orphanet 365, MedGen C0017921, MONDO:0009290, OMIM 232300.

Submissions (2):

GeneDx
Classification: Likely pathogenic. Last evaluated: 2026-07-31. Review status: criteria provided, single submitter. Criteria: GeneDx Variant Classification Process June 2021. Collection method: clinical testing. Allele origin: germline.
Comment: Previously reported in association with GSD II (PMID: 33560568); In-frame deletion of 5 amino acids in a non-repeat region; In silico analysis does not support a benign or deleterious effect of this variant on protein structure/function; Not observed at significant frequency in large population cohorts (gnomAD); This variant is associated with the following publications: (PMID: 19343043, 22253258, 33560568)

Genomenon, Inc
Classification: Uncertain significance for Glycogen storage disease, type II. Last evaluated: 2026-07-01. Review status: criteria provided, single submitter. Criteria: Genomenon Sequence Variant Interpretation Standards - Updated. Collection method: curation. Allele origin: germline. Affected: no.
Comment: GAA p.Asp501_Glu505del (c.1501_1515del) is an in-frame deletion that results in the loss of multiple amino acids, from Aspartic acid at codon 501 to Glutamic acid at codon 505. This variant has been reported in the published literature (PMID:33560568). It is absent or not present at a significant frequency in gnomAD. In conclusion, we classify GAA p.Asp501_Glu505del (c.1501_1515del) as a variant of uncertain significance.

Literature cited by the submitters: PubMed 33560568 (cited by Genomenon, Inc).

NM_000152.5(GAA):c.1501_1515del (p.Asp501_Glu505del)

Gene: GAA (alpha glucosidase; plus strand). Cytogenetic location: 17q25.3.
Variant type: Deletion.
Coding change: c.1501_1515del on transcript NM_000152.5 (MANE Select); coding-DNA positions 1501 to 1515, 15 bases deleted (GACATGGTGGCTGAG).
Protein change: p.Asp501_Glu505del.
Molecular consequence: inframe deletion.
Genome position (GRCh38, 1-based): chr17:80,110,790-80,110,804, GACATGGTGGCTGAG deleted; deleting any 15 consecutive bases within chr17:80,110,787-80,110,804 gives the same sequence; the c. name uses the placement nearest the transcript's 3' end. VCF-style (leftmost placement, unchanged base first): chr17-80110786-GGAGGACATGGTGGCT-G. GRCh37 (hg19) VCF-style: chr17-78084585-GGAGGACATGGTGGCT-G.
Other names: c.1501_1515del, p.Asp501_Glu505del (NM_001079803.3, NM_001079804.3); c.1501_1515del (LRG_673t1, NM_000152.3).
Identifiers: ClinVar variation 420505 (VCV000420505.4), dbSNP rs1064794524, ClinGen allele CA16620647.